The following is an entry in ClinVar:

NM_001098537.3(PNPLA7):c.118G>A (p.Ala40Thr)

Gene: PNPLA7 (patatin like domain 7, lysophospholipase; minus strand). Cytogenetic location: 9q34.3.
Variant type: single nucleotide variant.
Coding change: c.118G>A on transcript NM_001098537.3 (MANE Select); coding-DNA position 118, G replaced by A.
Protein change: p.Ala40Thr; replaces alanine 40 with threonine.
Molecular consequence: missense variant.
Genome position (GRCh38, 1-based): chr9:137,547,384, C>T on the plus strand (G>A on the coding strand, the complement: PNPLA7 is on the minus strand). VCF-style: chr9-137547384-C-T. GRCh37 (hg19) VCF-style: chr9-140441836-C-T.
Other names: c.43G>A, p.Ala15Thr (NM_152286.5); short protein forms A15T, A40T.
Identifiers: ClinVar variation 2659829 (VCV002659829.24), dbSNP rs374252978, ClinGen allele CA5372510.
Genomic context (GRCh38, chr9:137,547,384, plus strand): 5'-TTCTGAACATGAAAAGGATGAGGACACCAACCAAGGCCAGGGCCAGGAGGGCTCCAACTG[C>T]AATCCCCGTCAGCTGGCCGAGAGTGGAAACACGGCGCCCATCAGCAAAGCCACAAACCTA-3'
Protein context (NP_001092007.2, residues 30-50): GSPSTMLTGI[Ala40Thr]VGALLALALV

ClinVar aggregate classification (germline): Likely benign (1 of 4 stars; one submission).

Allele frequency attached by ClinVar (database versions not stated): gnomAD exomes 0.00008; TOPMed 0.00011; gnomAD 0.00012; ExAC 0.00026; 1000 Genomes Project 30x 0.00078; 1000 Genomes Project 0.00080.
gnomAD v4.1: 147 of 1,613,482 alleles (0.0091%); highest among the groups gnomAD compares: East Asian, 0.26%; 1 homozygote.

Submission:

CeGaT Center for Human Genetics Tuebingen
Classification: Likely benign. Last evaluated: 2023-03-01. Review status: criteria provided, single submitter. Criteria: CeGaT Center For Human Genetics Tuebingen Variant Classification Criteria Version 2. Collection method: clinical testing. Allele origin: germline. Affected: yes. Observed: 1 variant allele.
Comment: PNPLA7: BP4, BS2